The following is an entry in ClinVar:

NM_000038.6(APC):c.6177T>C (p.Asp2059=)

Gene: APC (APC regulator of Wnt signaling pathway; plus strand). Cytogenetic location: 5q22.2.
Variant type: single nucleotide variant.
Coding change: c.6177T>C on transcript NM_000038.6 (MANE Select); coding-DNA position 6177, T replaced by C.
Protein change: p.Asp2059=; no amino-acid change (aspartic acid 2059 retained).
Molecular consequence: synonymous variant.
Genome position (GRCh38, 1-based): chr5:112,841,771, T>C. VCF-style: chr5-112841771-T-C. GRCh37 (hg19) VCF-style: chr5-112177468-T-C.
Other names: c.6177T>C (NM_000038.5); c.6177T>C, p.Asp2059= (NM_001127510.3, NM_001354895.2); c.6123T>C, p.Asp2041= (NM_001127511.3); c.6231T>C, p.Asp2077= (NM_001354896.2); c.6207T>C, p.Asp2069= (NM_001354897.2); c.6102T>C, p.Asp2034= (NM_001354898.2); c.6093T>C, p.Asp2031= (NM_001354899.2); c.6054T>C, p.Asp2018= (NM_001354900.2); and 6 more.
Identifiers: ClinVar variation 1621552 (VCV001621552.12), dbSNP rs2149958958, ClinGen allele CA446209299.

ClinVar aggregate classification (germline): Benign/Likely benign. Review status: criteria provided, multiple submitters, no conflicts (2 of 4 stars). 5 submissions from 5 submitters: Benign (1); Likely benign (4). Last evaluated 2026-01-26.

Conditions:
Hereditary cancer-predisposing syndrome. Also called: Hereditary Cancer Syndrome; Neoplastic Syndromes, Hereditary; Hereditary neoplastic syndrome; Tumor predisposition. Identifiers: Orphanet 140162, MedGen C0027672, MeSH D009386, MONDO:0015356.
Classic or attenuated familial adenomatous polyposis. Identifiers: MedGen CN372698, MONDO:0021057.
Familial adenomatous polyposis 1 (FAP1). Also called: FAMILIAL ADENOMATOUS POLYPOSIS 1, ATTENUATED; POLYPOSIS, ADENOMATOUS INTESTINAL. Identifiers: MedGen C2713442, MONDO:0021056, OMIM 175100. Disease mechanism: loss of function.

Submissions (5):

Labcorp Genetics (formerly Invitae), Labcorp
Classification: Likely benign for Familial adenomatous polyposis 1. Last evaluated: 2026-01-26. Review status: criteria provided, single submitter. Criteria: Invitae Variant Classification Sherloc (09022015). Collection method: clinical testing. Allele origin: germline.

Ambry Genetics
Classification: Likely benign for Hereditary cancer-predisposing syndrome. Last evaluated: 2025-03-29. Review status: criteria provided, single submitter. Criteria: Ambry Variant Classification Scheme 2023. Collection method: clinical testing. Allele origin: germline.

Myriad Genetics, Inc.
Classification: Benign for Familial adenomatous polyposis 1. Last evaluated: 2024-04-03. Review status: criteria provided, single submitter. Criteria: Myriad Autosomal Dominant, Autosomal Recessive and X-Linked Classification Criteria (2023). Collection method: clinical testing. Allele origin: unknown.
Comment: This variant is considered benign. This variant is a silent/synonymous amino acid change and it is not expected to impact splicing.

All of Us Research Program, National Institutes of Health
Classification: Likely benign for Classic or attenuated familial adenomatous polyposis. Last evaluated: 2023-04-28. Review status: criteria provided, single submitter. Criteria: ACMG Guidelines, 2015. Collection method: clinical testing. Allele origin: germline. Inheritance: Autosomal dominant inheritance. Observed: 1 variant allele, 1 heterozygote.
Comment: This study involves interpretation of variants in research participants for the purpose of population health screening. Participant phenotype was not available at the time of variant classification. Additional details can be found in publication PMID: 35346344, PMCID: PMC8962531

Color Diagnostics, LLC DBA Color Health
Classification: Likely benign for Hereditary cancer-predisposing syndrome. Last evaluated: 2022-05-06. Review status: criteria provided, single submitter. Criteria: ACMG Guidelines, 2015. Collection method: clinical testing. Allele origin: germline.